The following is an entry in ClinVar:

NM_000138.5(FBN1):c.3569C>G (p.Pro1190Arg)

Gene: FBN1 (fibrillin 1; minus strand). Cytogenetic location: 15q21.1.
Variant type: single nucleotide variant.
Coding change: c.3569C>G on transcript NM_000138.5 (MANE Select); coding-DNA position 3569, C replaced by G.
Protein change: p.Pro1190Arg; replaces proline 1190 with arginine.
Molecular consequence: missense variant.
Genome position (GRCh38, 1-based): chr15:48,487,095, G>C on the plus strand (C>G on the coding strand, the complement: FBN1 is on the minus strand). VCF-style: chr15-48487095-G-C. GRCh37 (hg19) VCF-style: chr15-48779292-G-C.
Other names: c.3569C>G, p.Pro1190Arg (NM_001406716.1); short protein forms P1190R.
Identifiers: ClinVar variation 3071754 (VCV003071754.2), dbSNP rs2043514137, ClinGen allele CA392324930.

ClinVar aggregate classification (germline): Uncertain significance. Review status: criteria provided, multiple submitters, no conflicts (2 of 4 stars). 2 submissions from 2 submitters: Uncertain significance (2). Last evaluated 2025-05-27.

Conditions:
Marfan syndrome (MFS). Also called: MARFAN SYNDROME, TYPE I; Marfan syndrome type 1; Marfan's syndrome; Marfan syndrome, classic; FBN1-Related Marfan Syndrome. Identifiers: Orphanet 284963, Orphanet 558, MedGen C0024796, MONDO:0007947, OMIM 154700.

Allele frequency attached by ClinVar (database versions not stated): gnomAD 0.00001.
gnomAD v4.1: 1 of 1,613,368 alleles (0.000062%); highest among the groups gnomAD compares: Admixed American, 0.0017%; no homozygotes.

Submissions (2):

GeneDx
Classification: Uncertain significance. Last evaluated: 2025-05-27. Review status: criteria provided, single submitter. Criteria: GeneDx Variant Classification Process June 2021. Collection method: clinical testing. Allele origin: germline. Affected: yes.
Comment: Not observed at significant frequency in large population cohorts (gnomAD); In silico analysis supports that this missense variant has a deleterious effect on protein structure/function; Has not been previously published as pathogenic or benign to our knowledge; Does not affect a cysteine or calcium-binding residue within an EGF-like domain or a TGF-binding protein domain of the FBN1 gene; cysteine substitutions in the EGF-like domains represent the majority of pathogenic missense changes associated with FBN1-related disorders (PMID: 12938084)

All of Us Research Program, National Institutes of Health
Classification: Uncertain significance for Marfan syndrome. Last evaluated: 2023-06-28. Review status: criteria provided, single submitter. Criteria: ACMG Guidelines, 2015. Collection method: clinical testing. Allele origin: germline. Inheritance: Autosomal dominant inheritance. Observed: 1 variant allele, 1 heterozygote.
Comment: This study involves interpretation of variants in research participants for the purpose of population health screening. Participant phenotype was not available at the time of variant classification. Additional details can be found in publication PMID: 35346344, PMCID: PMC8962531